The following is an entry in ClinVar:

ClinVar aggregate classification (germline): Conflicting classifications of pathogenicity. Review status: criteria provided, conflicting classifications (1 of 4 stars). 13 submissions from 13 submitters: Uncertain significance (12); Likely benign (1). Last evaluated 2026-05-01.

Conditions:
Familial adenomatous polyposis 1 (FAP1). Also called: POLYPOSIS, ADENOMATOUS INTESTINAL; FAMILIAL ADENOMATOUS POLYPOSIS 1, ATTENUATED. Identifiers: MedGen C2713442, MONDO:0021056, OMIM 175100. Disease mechanism: loss of function.
Hepatocellular carcinoma (HCC). Also called: LIVER CELL CARCINOMA; Primary carcinoma of liver; HEPATOMA. Identifiers: Orphanet 88673, MedGen C2239176, MONDO:0007256, OMIM 114550, HP:0001402.
Desmoid disease, hereditary (DESMD). Also called: FIBROMATOSIS, FAMILIAL INFILTRATIVE. Identifiers: Orphanet 873, MedGen C1851124, OMIM 135290. Disease mechanism: loss of function.
Gastric cancer. Also called: Malignant tumor of stomach; Stomach cancer. Identifiers: MedGen C0024623, MeSH D013274, MONDO:0001056, OMIM 613659, HP:0012126.
Colorectal cancer. Also called: Malignant Colorectal Neoplasm; Colorectal cancer, somatic. Identifiers: MedGen C0346629, MONDO:0005575, OMIM 114500.
Gastric adenocarcinoma and proximal polyposis of the stomach (GAPPS). Also called: POLYPOSIS, GASTRIC; Gastric Adenocarcinoma and Proximal Polyposis of the Stomach (GAPPS); Polyposis, gastric, Dos Santos and de Magalhaes 1980. Identifiers: Orphanet 314022, MedGen C4749917, MONDO:0017790, OMIM 619182.
Classic or attenuated familial adenomatous polyposis. Identifiers: MedGen CN372698, MONDO:0021057.
Hereditary cancer-predisposing syndrome. Also called: Neoplastic Syndromes, Hereditary; Hereditary neoplastic syndrome; Hereditary Cancer Syndrome; Tumor predisposition. Identifiers: Orphanet 140162, MedGen C0027672, MeSH D009386, MONDO:0015356.

Allele frequency attached by ClinVar (database versions not stated): ExAC 0.00001; gnomAD exomes 0.00001; TOPMed 0.00001.
gnomAD v4.1: 19 of 1,614,004 alleles (0.0012%); highest among the groups gnomAD compares: South Asian, 0.0033%; no homozygotes.

Submissions (13):

Ambry Genetics
Classification: Likely benign for Hereditary cancer-predisposing syndrome. Last evaluated: 2026-05-01. Review status: criteria provided, single submitter. Criteria: Ambry Variant Classification Scheme 2023. Collection method: clinical testing. Allele origin: germline.

Labcorp Genetics (formerly Invitae), Labcorp
Classification: Uncertain significance for Familial adenomatous polyposis 1. Last evaluated: 2026-01-13. Review status: criteria provided, single submitter. Criteria: Invitae Variant Classification Sherloc (09022015). Collection method: clinical testing. Allele origin: germline.
Comment: This sequence change replaces valine, which is neutral and non-polar, with isoleucine, which is neutral and non-polar, at codon 1405 of the APC protein (p.Val1405Ile). This variant is present in population databases (rs761966904, gnomAD 0.002%). This variant has not been reported in the literature in individuals affected with APC-related conditions. ClinVar contains an entry for this variant (Variation ID: 236597). Invitae Evidence Modeling of protein sequence and biophysical properties (such as structural, functional, and spatial information, amino acid conservation, physicochemical variation, residue mobility, and thermodynamic stability) indicates that this missense variant is not expected to disrupt APC protein function with a negative predictive value of 95%. In summary, the available evidence is currently insufficient to determine the role of this variant in disease. Therefore, it has been classified as a Variant of Uncertain Significance.

St. Jude Molecular Pathology, St. Jude Children's Research Hospital
Classification: Uncertain significance for Familial adenomatous polyposis 1. Last evaluated: 2025-06-17. Review status: criteria provided, single submitter. Criteria: St. Jude Assertion Criteria 2020. Collection method: clinical testing. Allele origin: germline.
Comment: The APC c.4213G>A p.(Val1405Ile) missense change has a maximum subpopulation frequency of 0.0018% in gnomAD v2.1.1. The in silico tool REVEL is inconclusive about a pathogenic or benign effect of this variant on protein function, and to our knowledge functional studies have not been performed. To our knowledge, this variant has not been reported in the literature in individuals with APC-related disease. In summary, the evidence currently available is insufficient to determine the clinical significance of this variant. It has therefore been classified as of uncertain significance.

Color Diagnostics, LLC DBA Color Health
Classification: Uncertain significance for Hereditary cancer-predisposing syndrome. Last evaluated: 2024-07-01. Review status: criteria provided, single submitter. Criteria: ACMG Guidelines, 2015. Collection method: clinical testing. Allele origin: germline.
Comment: This missense variant replaces valine with isoleucine at codon 1405 of the APC protein. Computational prediction suggests that this variant may not impact protein structure and function (internally defined REVEL score threshold <= 0.5, PMID: 27666373). To our knowledge, functional studies have not been reported for this variant. This variant has not been reported in individuals affected with APC-related disorders in the literature. This variant has been identified in 2/251030 chromosomes in the general population by the Genome Aggregation Database (gnomAD). The available evidence is insufficient to determine the role of this variant in disease conclusively. Therefore, this variant is classified as a Variant of Uncertain Significance.

GeneDx
Classification: Uncertain significance. Last evaluated: 2024-03-26. Review status: criteria provided, single submitter. Criteria: GeneDx Variant Classification Process June 2021. Collection method: clinical testing. Allele origin: germline. Affected: yes.
Comment: Not observed at significant frequency in large population cohorts (gnomAD); In silico analysis supports that this missense variant does not alter protein structure/function; Reported in controls but absent from cases in a biliary tract cancer case-control study (PMID: 36243179); This variant is associated with the following publications: (PMID: 18199528, 36243179)

Baylor Genetics
Classification: Uncertain significance for Familial adenomatous polyposis 1. Last evaluated: 2024-03-17. Review status: criteria provided, single submitter. Criteria: ACMG Guidelines, 2015. Collection method: clinical testing. Allele origin: unknown.

Fulgent Genetics
Classification: Uncertain significance for Colorectal cancer; Hepatocellular carcinoma; Desmoid disease, hereditary; Familial adenomatous polyposis 1; Gastric cancer; Gastric adenocarcinoma and proximal polyposis of the stomach. Last evaluated: 2024-01-18. Review status: criteria provided, single submitter. Criteria: ACMG Guidelines, 2015. Collection method: clinical testing. Allele origin: germline.

All of Us Research Program, National Institutes of Health
Classification: Uncertain significance for Classic or attenuated familial adenomatous polyposis. Last evaluated: 2023-11-30. Review status: criteria provided, single submitter. Criteria: ACMG Guidelines, 2015. Collection method: clinical testing. Allele origin: germline. Inheritance: Autosomal dominant inheritance. Observed: 3 variant alleles, 3 heterozygotes.
Comment: This missense variant replaces valine with isoleucine at codon 1405 of the APC protein. Computational prediction suggests that this variant may not impact protein structure and function (internally defined REVEL score threshold <= 0.5, PMID: 27666373). Splice site prediction tools suggest that this variant may not impact RNA splicing. To our knowledge, functional studies have not been performed for this variant. This variant has not been reported in individuals affected with hereditary cancer in the literature. This variant has been identified in 2/251030 chromosomes in the general population by the Genome Aggregation Database (gnomAD). The available evidence is insufficient to determine the role of this variant in disease conclusively. Therefore, this variant is classified as a Variant of Uncertain Significance.

This study involves interpretation of variants in research participants for the purpose of population health screening. Participant phenotype was not available at the time of variant classification. Additional details can be found in publication PMID: 35346344, PMCID: PMC8962531

Quest Diagnostics Nichols Institute San Juan Capistrano
Classification: Uncertain significance. Last evaluated: 2023-06-07. Review status: criteria provided, single submitter. Criteria: Quest Diagnostics criteria. Collection method: clinical testing. Allele origin: unknown.
Comment: To the best of our knowledge, this variant has not been reported in the published literature. The frequency of this variant in the general population, 0.000008 (2/251030 chromosomes (Genome Aggregation Database)), is uninformative in the assessment of its pathogenicity. Analysis of this variant using bioinformatics tools for the prediction of the effect of amino acid changes on protein structure and function yielded conflicting predictions that this variant is benign or damaging. Based on the available information, we are unable to determine the clinical significance of this variant.

Institute for Clinical Genetics, University Hospital TU Dresden, University Hospital TU Dresden
Classification: Uncertain significance. Last evaluated: 2021-11-03. Review status: criteria provided, single submitter. Criteria: ACMG Guidelines, 2015. Collection method: clinical testing. Allele origin: germline.

Mendelics
Classification: Uncertain significance for Familial adenomatous polyposis 1. Last evaluated: 2019-05-28. Review status: criteria provided, single submitter. Criteria: Mendelics Assertion Criteria 2017. Collection method: clinical testing. Allele origin: unknown.

Blueprint Genetics
Classification: Uncertain significance. Last evaluated: 2019-01-11. Review status: criteria provided, single submitter. Criteria: ACMG Guidelines, 2015. Collection method: clinical testing. Allele origin: germline.

Women's Health and Genetics/Laboratory Corporation of America, LabCorp
Classification: Uncertain significance. Last evaluated: 2017-05-26. Review status: criteria provided, single submitter. Criteria: LabCorp Variant Classification Summary - May 2015. Collection method: clinical testing. Allele origin: germline.
Comment: Variant summary: The APC c.4213G>A (p.Val1405Ile) variant involves the alteration of a conserved nucleotide. 2/4 in silico tools predict a benign outcome for this variant (SNPsandGO not captured due to low reliability index). This variant was found in 1/121302 control chromosomes at a frequency of 0.0000082, which does not exceed the estimated maximal expected allele frequency of a pathogenic APC variant (0.0000714). In addition, multiple clinical diagnostic laboratories/reputable databases classified this variant as uncertain significance. Taken together, this variant is classified as VUS until additional evidence becomes available.

NM_000038.6(APC):c.4213G>A (p.Val1405Ile)

Gene: APC (APC regulator of Wnt signaling pathway; plus strand). Cytogenetic location: 5q22.2.
Variant type: single nucleotide variant.
Coding change: c.4213G>A on transcript NM_000038.6 (MANE Select); coding-DNA position 4213, G replaced by A.
Protein change: p.Val1405Ile; replaces valine 1405 with isoleucine.
Molecular consequence: missense variant.
Genome position (GRCh38, 1-based): chr5:112,839,807, G>A. VCF-style: chr5-112839807-G-A. GRCh37 (hg19) VCF-style: chr5-112175504-G-A.
Other names: c.4213G>A, p.Val1405Ile (NM_001127510.3, NM_001354895.2); c.4159G>A, p.Val1387Ile (NM_001127511.3); c.4267G>A, p.Val1423Ile (NM_001354896.2); c.4243G>A, p.Val1415Ile (NM_001354897.2); c.4138G>A, p.Val1380Ile (NM_001354898.2); c.4129G>A, p.Val1377Ile (NM_001354899.2); c.4090G>A, p.Val1364Ile (NM_001354900.2); c.4036G>A, p.Val1346Ile (NM_001354901.2); and 5 more; short protein forms V1387I, V1405I, V1314I, V1380I, V1279I, V1346I, V1415I, V1304I.
Identifiers: ClinVar variation 236597 (VCV000236597.35), dbSNP rs761966904, ClinGen allele CA038005.